The following is an entry in ClinVar:

NM_000155.4(GALT):c.110T>G (p.Leu37Arg)

Genes: GALT (galactose-1-phosphate uridylyltransferase; plus strand), LOC130001683 (ATAC-STARR-seq lymphoblastoid active region 28314; plus strand). Cytogenetic location: 9p13.3.
Variant type: single nucleotide variant.
Coding change: c.110T>G on transcript NM_000155.4 (MANE Select); coding-DNA position 110, T replaced by G.
Protein change: p.Leu37Arg; replaces leucine 37 with arginine.
Molecular consequence: missense variant. On other transcripts: 5 prime UTR variant (1).
Genome position (GRCh38, 1-based): chr9:34,647,116, T>G. VCF-style: chr9-34647116-T-G. GRCh37 (hg19) VCF-style: chr9-34647113-T-G.
Other names: c.-93T>G (NM_001258332.2); short protein forms L37R.
Identifiers: ClinVar variation 5003720 (VCV005003720.1).

ClinVar aggregate classification (germline): Uncertain significance (1 of 4 stars; one submission).

Conditions:
Deficiency of UDPglucose-hexose-1-phosphate uridylyltransferase. Also called: Transferase Deficiency Galactosemia; GALACTOSEMIA I; GALACTOSE-1-PHOSPHATE URIDYLYLTRANSFERASE DEFICIENCY; GALT deficiency; Galactosemia, classic. Identifiers: Orphanet 352, Orphanet 79239, MedGen C0268151, MONDO:0009258, OMIM 230400.

Submission:

Myriad Genetics, Inc.
Classification: Uncertain significance for Deficiency of UDPglucose-hexose-1-phosphate uridylyltransferase. Last evaluated: 2026-03-25. Review status: criteria provided, single submitter. Criteria: Myriad Autosomal Dominant, Autosomal Recessive and X-Linked Classification Criteria (2023). Collection method: clinical testing. Allele origin: unknown.
Comment: NM_000155.3(GALT):c.110T>G(L37R) is a missense variant classified as a variant of uncertain significance in the context of galactosemia. L37R has been observed in cases with relevant disease (PMID: 31194895). Relevant functional assessments of this variant are not available in the literature. L37R has been observed in referenced population frequency databases. In summary, there is insufficient evidence to classify NM_000155.3(GALT):c.110T>G(L37R) as pathogenic or benign. Please note: this variant was assessed in the context of healthy population screening.

Literature cited by the submitters: PubMed 31194895.